The following is an entry in ClinVar:

ClinVar aggregate classification (germline): Uncertain significance (1 of 4 stars; one submission).

Submission:

Labcorp Genetics (formerly Invitae), Labcorp
Classification: Uncertain significance. Last evaluated: 2024-01-11. Review status: criteria provided, single submitter. Criteria: Invitae Variant Classification Sherloc (09022015). Collection method: clinical testing. Allele origin: unknown.
Comment: This variant results in the deletion of exon 6 and part of exon 7 (c.631+232_974del) of the RNF31 gene. It is expected to disrupt RNA splicing. Variants that disrupt the donor or acceptor splice site typically lead to a loss of protein function (PMID: 16199547), however the current clinical and genetic evidence is not sufficient to establish whether loss-of-function variants in RNF31 cause disease. This variant has not been reported in the literature in individuals affected with RNF31-related conditions. In summary, the available evidence is currently insufficient to determine the role of this variant in disease. Therefore, it has been classified as a Variant of Uncertain Significance.

Literature cited by the submitters: PubMed 16199547.

NC_000014.8:g.(?_24618317)_(24619434_?)del

Gene: RNF31 (ring finger protein 31; plus strand). Cytogenetic location: 14q12.
Variant type: Deletion.
Identifiers: ClinVar variation 3244099 (VCV003244099.1).